The following is an entry in ClinVar:

NM_001367805.3(KIF23):c.2459G>A (p.Arg820His)

Gene: KIF23 (kinesin family member 23; plus strand). Cytogenetic location: 15q23.
Variant type: single nucleotide variant.
Coding change: c.2459G>A on transcript NM_001367805.3 (MANE Select); coding-DNA position 2459, G replaced by A.
Protein change: p.Arg820His; replaces arginine 820 with histidine.
Molecular consequence: missense variant. On other transcripts: non-coding transcript variant (2), intron variant (1).
Genome position (GRCh38, 1-based): chr15:69,444,827, G>A. VCF-style: chr15-69444827-G-A. GRCh37 (hg19) VCF-style: chr15-69737166-G-A.
Other names: c.2417G>A, p.Arg806His (NM_001367804.2, NM_138555.4); c.2105G>A, p.Arg702His (NM_004856.7); c.2050-1182G>A (NM_001281301.2); c.2417G>A (NM_138555.2); short protein forms R702H, R806H, R820H.
Identifiers: ClinVar variation 3716665 (VCV003716665.3).

ClinVar aggregate classification (germline): Uncertain significance. Review status: criteria provided, multiple submitters, no conflicts (2 of 4 stars). 2 submissions from 2 submitters: Uncertain significance (2). Last evaluated 2025-09-01.

gnomAD v4.1: 33 of 1,613,970 alleles (0.002%); highest among the groups gnomAD compares: Admixed American, 0.012%; no homozygotes.

Submissions (2):

Ambry Genetics
Classification: Uncertain significance. Last evaluated: 2025-09-01. Review status: criteria provided, single submitter. Criteria: Ambry Variant Classification Scheme 2023. Collection method: clinical testing. Allele origin: germline.

Labcorp Genetics (formerly Invitae), Labcorp
Classification: Uncertain significance. Last evaluated: 2025-08-17. Review status: criteria provided, single submitter. Criteria: Invitae Variant Classification Sherloc (09022015). Collection method: clinical testing. Allele origin: germline.
Comment: This sequence change replaces arginine, which is basic and polar, with histidine, which is basic and polar, at codon 806 of the KIF23 protein (p.Arg806His). This variant is present in population databases (rs763116733, gnomAD 0.03%). This variant has not been reported in the literature in individuals affected with KIF23-related conditions. ClinVar contains an entry for this variant (Variation ID: 3716665). Invitae Evidence Modeling of protein sequence and biophysical properties (such as structural, functional, and spatial information, amino acid conservation, physicochemical variation, residue mobility, and thermodynamic stability) indicates that this missense variant is not expected to disrupt KIF23 protein function with a negative predictive value of 80%. In summary, the available evidence is currently insufficient to determine the role of this variant in disease. Therefore, it has been classified as a Variant of Uncertain Significance.